The following is an entry in ClinVar:

ClinVar aggregate classification (germline): Conflicting classifications of pathogenicity. Review status: criteria provided, conflicting classifications (1 of 4 stars). 4 submissions from 4 submitters: Pathogenic (1); Likely pathogenic (2); Uncertain significance (1). Last evaluated 2026-05-12.

Conditions:
COACH syndrome 2. Identifiers: MedGen C5436837, MONDO:0030859, OMIM 619111.
Meckel syndrome, type 6. Identifiers: Orphanet 564, MedGen C2676790, MONDO:0012848, OMIM 612284.
Joubert syndrome 9 (JBTS9). Identifiers: Orphanet 2318, MedGen C2676788, MONDO:0012849, OMIM 612285.
Retinitis pigmentosa 93. Identifiers: MedGen C5676970, MONDO:0030797, OMIM 619845.
Joubert syndrome. Also called: JOUBERT-BOLTSHAUSER SYNDROME; Familial aplasia of the vermis. Identifiers: Orphanet 475, MedGen C5979921, MONDO:0018772.
Meckel-Gruber syndrome. Also called: DYSENCEPHALIA SPLANCHNOCYSTICA; GRUBER SYNDROME; Dysencephalia splachnocystica. Identifiers: Orphanet 564, MedGen C0265215, MONDO:0018921.
Joubert syndrome and related disorders. Identifiers: Orphanet 140874, MedGen C5679612, MONDO:0015369.

Allele frequency attached by ClinVar (database versions not stated): gnomAD 0.00001; TOPMed 0.00001.

Submissions (4):

Myriad Genetics, Inc.
Classification: Uncertain significance for Joubert syndrome and related disorders. Last evaluated: 2026-05-12. Review status: criteria provided, single submitter. Criteria: Myriad Autosomal Dominant, Autosomal Recessive and X-Linked Classification Criteria (2023). Collection method: clinical testing. Allele origin: unknown.
Comment: NM_001080522.2(CC2D2A):c.2581G>A(D861N) is a missense variant classified as a variant of uncertain significance in the context of CC2D2A-related disorders. D861N has been observed in cases with relevant disease (PMID: 27959436, 32005694). Relevant functional assessments of this variant are not available in the literature. D861N has been observed in referenced population frequency databases. In summary, there is insufficient evidence to classify NM_001080522.2(CC2D2A):c.2581G>A(D861N) as pathogenic or benign. Please note: this variant was assessed in the context of healthy population screening.

Labcorp Genetics (formerly Invitae), Labcorp
Classification: Pathogenic for Joubert syndrome; Meckel-Gruber syndrome. Last evaluated: 2026-01-27. Review status: criteria provided, single submitter. Criteria: Invitae Variant Classification Sherloc (09022015). Collection method: clinical testing. Allele origin: germline.
Comment: This sequence change replaces aspartic acid, which is acidic and polar, with asparagine, which is neutral and polar, at codon 861 of the CC2D2A protein (p.Asp861Asn). This variant is present in population databases (no rsID available, gnomAD 0.0009%). This missense change has been observed in individual(s) with Joubert syndrome (PMID: 27959436). In at least one individual the data is consistent with being in trans (on the opposite chromosome) from a pathogenic variant. It has also been observed to segregate with disease in related individuals. ClinVar contains an entry for this variant (Variation ID: 2203534). Invitae Evidence Modeling of protein sequence and biophysical properties (such as structural, functional, and spatial information, amino acid conservation, physicochemical variation, residue mobility, and thermodynamic stability) indicates that this missense variant is expected to disrupt CC2D2A protein function with a positive predictive value of 80%. For these reasons, this variant has been classified as Pathogenic.

Women's Health and Genetics/Laboratory Corporation of America, LabCorp
Classification: Likely pathogenic for Joubert syndrome and related disorders. Last evaluated: 2025-09-25. Review status: criteria provided, single submitter. Criteria: LabCorp Variant Classification Summary - May 2015. Collection method: clinical testing. Allele origin: germline.
Comment: Variant summary: CC2D2A c.2581G>A (p.Asp861Asn) results in a conservative amino acid change in the encoded protein sequence. Algorithms developed to predict the effect of missense changes on protein structure and function are either unavailable or do not agree on the potential impact of this missense change. The variant allele was found at a frequency of 4e-06 in 248830 control chromosomes. c.2581G>A has been observed in compound heterozygous individuals affected with Joubert Syndrome And Related Disorders (Xiao_2017, Dong_2020). These data indicate that the variant may be associated with disease. To our knowledge, no experimental evidence demonstrating an impact on protein function has been reported. The following publications have been ascertained in the context of this evaluation (PMID: 32005694, 27959436). ClinVar contains an entry for this variant (Variation ID: 2203534). Based on the evidence outlined above, the variant was classified as likely pathogenic.

Fulgent Genetics
Classification: Likely pathogenic for Meckel syndrome, type 6; Joubert syndrome 9; COACH syndrome 2; Retinitis pigmentosa 93. Last evaluated: 2024-03-23. Review status: criteria provided, single submitter. Criteria: ACMG Guidelines, 2015. Collection method: clinical testing. Allele origin: germline.

Literature cited by the submitters: PubMed 27959436 (cited by 3 submitters); PubMed 32005694 (cited by Myriad Genetics, Inc. and Women's Health and Genetics/Laboratory Corporation of America, LabCorp).

NM_001378615.1(CC2D2A):c.2581G>A (p.Asp861Asn)

Genes: CC2D2A (coiled-coil and C2 domain containing 2A; plus strand), FBXL5 (F-box and leucine rich repeat protein 5; minus strand). Cytogenetic location: 4p15.32.
Variant type: single nucleotide variant.
Coding change: c.2581G>A on transcript NM_001378615.1 (MANE Select); coding-DNA position 2581, G replaced by A.
Protein change: p.Asp861Asn; replaces aspartic acid 861 with asparagine.
Molecular consequence: missense variant.
Genome position (GRCh38, 1-based): chr4:15,555,166, G>A. VCF-style: chr4-15555166-G-A. GRCh37 (hg19) VCF-style: chr4-15556789-G-A.
Other names: c.2581G>A, p.Asp861Asn (NM_001080522.2); c.2434G>A, p.Asp812Asn (NM_001378617.1); short protein forms D812N, D861N.
Identifiers: ClinVar variation 2203534 (VCV002203534.8), dbSNP rs1367275342, ClinGen allele CA356420697.